The following is an entry in ClinVar:

ClinVar aggregate classification (germline): Uncertain significance (1 of 4 stars; one submission).

Submission:

Labcorp Genetics (formerly Invitae), Labcorp
Classification: Uncertain significance. Last evaluated: 2022-06-16. Review status: criteria provided, single submitter. Criteria: Invitae Variant Classification Sherloc (09022015). Collection method: clinical testing. Allele origin: germline.
Comment: This variant is not present in population databases (gnomAD no frequency). In summary, the available evidence is currently insufficient to determine the role of this variant in disease. Therefore, it has been classified as a Variant of Uncertain Significance. Experimental studies and prediction algorithms are not available or were not evaluated, and the functional significance of this variant is currently unknown. This variant has not been reported in the literature in individuals affected with COX10-related conditions. This variant, c.1269_1274dup, results in the insertion of 2 amino acid(s) of the COX10 protein (p.Leu424_Leu425dup), but otherwise preserves the integrity of the reading frame.

NM_001303.4(COX10):c.1260GCT[7] (p.Leu425_Met426insLeuLeu)

Gene: COX10 (cytochrome c oxidase assembly factor heme A:farnesyltransferase COX10; plus strand). Cytogenetic location: 17p12.
Variant type: Microsatellite.
Coding change: c.1260GCT[7] on transcript NM_001303.4 (MANE Select); seven copies in a row of the 3-base unit GCT starting at c.1260; the reference has five copies in a row; two copies, 6 bases duplicated.
Protein change: p.Leu425_Met426insLeuLeu.
Molecular consequence: inframe insertion.
Genome position (GRCh38, 1-based): chr17:14,207,150-14,207,155, GCTGCT duplicated; duplicating any 6 consecutive bases within chr17:14,207,141-14,207,155 gives the same sequence; the position shown is the placement nearest the transcript's 3' end. VCF-style (leftmost placement, unchanged base first): chr17-14207140-C-CGCTGCT. GRCh37 (hg19) VCF-style: chr17-14110457-C-CGCTGCT.
Identifiers: ClinVar variation 2005450 (VCV002005450.4), dbSNP rs1443529195, ClinGen allele CA2580614011.